The following is an entry in ClinVar:

ClinVar aggregate classification (germline): Uncertain significance. Review status: criteria provided, multiple submitters, no conflicts (2 of 4 stars). 4 submissions from 4 submitters: Uncertain significance (3). 1 of the submissions does not count toward it. Last evaluated 2025-08-10.

Conditions:
Hereditary cancer-predisposing syndrome. Also called: Hereditary neoplastic syndrome; Tumor predisposition; Hereditary Cancer Syndrome; Neoplastic Syndromes, Hereditary. Identifiers: Orphanet 140162, MedGen C0027672, MeSH D009386, MONDO:0015356.
Fanconi anemia (FA). Also called: Fanconi's anemia. Identifiers: Orphanet 84, MedGen C0015625, MeSH D005199, MONDO:0019391.
Fanconi anemia complementation group C (FANCC). Also called: FANCC-Related Fanconi Anemia; Fanconi anemia, group C; FANCONI PANCYTOPENIA, TYPE 3; FACC. Identifiers: Orphanet 84, MedGen C3468041, MONDO:0009213, OMIM 227645.

Allele frequency attached by ClinVar (database versions not stated): gnomAD exomes below 0.00001 and 0.00001.
gnomAD v4.1: 3 of 1,614,152 alleles (0.00019%); highest among the groups gnomAD compares: Non-Finnish European, 0.00025%; no homozygotes.

Submissions (4):

Ambry Genetics
Classification: Uncertain significance for Hereditary cancer-predisposing syndrome. Last evaluated: 2025-08-10. Review status: criteria provided, single submitter. Criteria: Ambry Variant Classification Scheme 2023. Collection method: clinical testing. Allele origin: germline.
Comment: The p.P419R variant (also known as c.1256C>G), located in coding exon 12 of the FANCC gene, results from a C to G substitution at nucleotide position 1256. The proline at codon 419 is replaced by arginine, an amino acid with dissimilar properties. This amino acid position is not well conserved in available vertebrate species. In addition, this alteration is predicted to be tolerated by in silico analysis. Since supporting evidence is limited at this time, the clinical significance of this alteration remains unclear.

Labcorp Genetics (formerly Invitae), Labcorp
Classification: Uncertain significance for Fanconi anemia. Last evaluated: 2024-12-02. Review status: criteria provided, single submitter. Criteria: Invitae Variant Classification Sherloc (09022015). Collection method: clinical testing. Allele origin: germline.
Comment: This sequence change replaces proline, which is neutral and non-polar, with arginine, which is basic and polar, at codon 419 of the FANCC protein (p.Pro419Arg). This variant is present in population databases (no rsID available, gnomAD 0.0009%). This variant has not been reported in the literature in individuals affected with FANCC-related conditions. ClinVar contains an entry for this variant (Variation ID: 220410). Invitae Evidence Modeling of protein sequence and biophysical properties (such as structural, functional, and spatial information, amino acid conservation, physicochemical variation, residue mobility, and thermodynamic stability) indicates that this missense variant is not expected to disrupt FANCC protein function with a negative predictive value of 80%. In summary, the available evidence is currently insufficient to determine the role of this variant in disease. Therefore, it has been classified as a Variant of Uncertain Significance.

GeneDx
Classification: Uncertain significance. Last evaluated: 2023-06-29. Review status: criteria provided, single submitter. Criteria: GeneDx Variant Classification Process June 2021. Collection method: clinical testing. Allele origin: germline. Affected: yes.
Comment: Not observed at significant frequency in large population cohorts (gnomAD); In silico analysis supports that this missense variant has a deleterious effect on protein structure/function; Has not been previously published as pathogenic or benign to our knowledge

Natera, Inc.
Classification: Uncertain significance for Fanconi anemia, group C. Last evaluated: 2020-09-16. Review status: no assertion criteria provided. Collection method: clinical testing. Allele origin: germline. Not counted in ClinVar's aggregate classification.

NM_000136.3(FANCC):c.1256C>G (p.Pro419Arg)

Genes: AOPEP (aminopeptidase O (putative); plus strand), FANCC (FA complementation group C; minus strand). Cytogenetic location: 9q22.32.
Variant type: single nucleotide variant.
Coding change: c.1256C>G on transcript NM_000136.3 (MANE Select); coding-DNA position 1256, C replaced by G.
Protein change: p.Pro419Arg; replaces proline 419 with arginine.
Molecular consequence: missense variant.
Genome position (GRCh38, 1-based): chr9:95,111,536, G>C on the plus strand (C>G on the coding strand, the complement: FANCC is on the minus strand). VCF-style: chr9-95111536-G-C. GRCh37 (hg19) VCF-style: chr9-97873818-G-C.
Other names: c.1256C>G, p.Pro419Arg (NM_001243743.2, NM_001243744.2); short protein forms P419R.
Identifiers: ClinVar variation 220410 (VCV000220410.13), dbSNP rs864622514, ClinGen allele CA349151.